The following is an entry in ClinVar:

NM_005120.3(MED12):c.5344C>T (p.Arg1782Cys)

Gene: MED12 (mediator complex subunit 12; plus strand). Cytogenetic location: Xq13.1.
Variant type: single nucleotide variant.
Coding change: c.5344C>T on transcript NM_005120.3 (MANE Select); coding-DNA position 5344, C replaced by T.
Protein change: p.Arg1782Cys; replaces arginine 1782 with cysteine.
Molecular consequence: missense variant.
Genome position (GRCh38, 1-based): chrX:71,136,599, C>T. VCF-style: chrX-71136599-C-T. GRCh37 (hg19) VCF-style: chrX-70356449-C-T.
Other names: short protein forms R1782C.
Identifiers: ClinVar variation 1988352 (VCV001988352.4), dbSNP rs1224410841, ClinGen allele CA413535055.

ClinVar aggregate classification (germline): Uncertain significance (1 of 4 stars; one submission).

Conditions:
FG syndrome (FGS). Identifiers: MedGen C0220769, MONDO:0002010.

Allele frequency attached by ClinVar (database versions not stated): TOPMed below 0.00001; gnomAD 0.00001; gnomAD exomes 0.00001.
gnomAD v4.1: 7 of 1,204,377 alleles (0.00058%); highest among the groups gnomAD compares: Non-Finnish European, 0.00078%; no homozygotes.

Submission:

Labcorp Genetics (formerly Invitae), Labcorp
Classification: Uncertain significance for FG syndrome. Last evaluated: 2022-09-26. Review status: criteria provided, single submitter. Criteria: Invitae Variant Classification Sherloc (09022015). Collection method: clinical testing. Allele origin: germline.
Comment: This sequence change replaces arginine, which is basic and polar, with cysteine, which is neutral and slightly polar, at codon 1782 of the MED12 protein (p.Arg1782Cys). This variant is not present in population databases (gnomAD no frequency). This variant has not been reported in the literature in individuals affected with MED12-related conditions. Advanced modeling of protein sequence and biophysical properties (such as structural, functional, and spatial information, amino acid conservation, physicochemical variation, residue mobility, and thermodynamic stability) performed at Invitae indicates that this missense variant is not expected to disrupt MED12 protein function. In summary, the available evidence is currently insufficient to determine the role of this variant in disease. Therefore, it has been classified as a Variant of Uncertain Significance.